The following is an entry in ClinVar:

NM_003036.4(SKI):c.1121A>G (p.Gln374Arg)

Gene: SKI (SKI proto-oncogene; plus strand). Cytogenetic location: 1p36.32.
Variant type: single nucleotide variant.
Coding change: c.1121A>G on transcript NM_003036.4 (MANE Select); coding-DNA position 1121, A replaced by G.
Protein change: p.Gln374Arg; replaces glutamine 374 with arginine.
Molecular consequence: missense variant.
Genome position (GRCh38, 1-based): chr1:2,303,310, A>G. VCF-style: chr1-2303310-A-G. GRCh37 (hg19) VCF-style: chr1-2234749-A-G.
Other names: short protein forms Q374R.
Identifiers: ClinVar variation 4875412 (VCV004875412.2).

ClinVar aggregate classification (germline): Uncertain significance (1 of 4 stars; one submission).

Submission:

CeGaT Center for Human Genetics Tuebingen
Classification: Uncertain significance. Last evaluated: 2026-06-01. Review status: criteria provided, single submitter. Criteria: CeGaT Center For Human Genetics Tuebingen Variant Classification Criteria Version 2. Collection method: clinical testing. Allele origin: germline. Affected: yes. Observed: 1 variant allele.
Comment: SKI: PM2, PP3